The following is an entry in ClinVar:

ClinVar aggregate classification (germline): Uncertain significance (1 of 4 stars; one submission).

gnomAD v4.1: 1 of 1,612,686 alleles (0.000062%); highest among the groups gnomAD compares: East Asian, 0.0022%; no homozygotes.

Submission:

Labcorp Genetics (formerly Invitae), Labcorp
Classification: Uncertain significance. Last evaluated: 2024-02-17. Review status: criteria provided, single submitter. Criteria: Invitae Variant Classification Sherloc (09022015). Collection method: clinical testing. Allele origin: germline.
Comment: This sequence change replaces proline, which is neutral and non-polar, with leucine, which is neutral and non-polar, at codon 881 of the ADAMTS13 protein (p.Pro881Leu). This variant is not present in population databases (gnomAD no frequency). This variant has not been reported in the literature in individuals affected with ADAMTS13-related conditions. Algorithms developed to predict the effect of missense changes on protein structure and function output the following: SIFT: "Not Available"; PolyPhen-2: "Benign"; Align-GVGD: "Not Available". The leucine amino acid residue is found in multiple mammalian species, which suggests that this missense change does not adversely affect protein function. In summary, the available evidence is currently insufficient to determine the role of this variant in disease. Therefore, it has been classified as a Variant of Uncertain Significance.

NM_139027.6(ADAMTS13):c.2642C>T (p.Pro881Leu)

Gene: ADAMTS13 (ADAM metallopeptidase with thrombospondin type 1 motif 13; plus strand). Cytogenetic location: 9q34.2.
Variant type: single nucleotide variant.
Coding change: c.2642C>T on transcript NM_139027.6 (MANE Select); coding-DNA position 2642, C replaced by T.
Protein change: p.Pro881Leu; replaces proline 881 with leucine.
Molecular consequence: missense variant. On other transcripts: non-coding transcript variant (1).
Genome position (GRCh38, 1-based): chr9:133,445,730, C>T. VCF-style: chr9-133445730-C-T. GRCh37 (hg19) VCF-style: chr9-136310851-C-T.
Other names: c.2642C>T, p.Pro881Leu (NM_139025.5); c.2549C>T, p.Pro850Leu (NM_139026.6); short protein forms P850L, P881L.
Identifiers: ClinVar variation 3641476 (VCV003641476.2).